The following is an entry in ClinVar:

NM_030912.3(TRIM8):c.1145C>T (p.Ala382Val)

Gene: TRIM8 (tripartite motif containing 8; plus strand). Cytogenetic location: 10q24.32.
Variant type: single nucleotide variant.
Coding change: c.1145C>T on transcript NM_030912.3 (MANE Select); coding-DNA position 1145, C replaced by T.
Protein change: p.Ala382Val; replaces alanine 382 with valine.
Molecular consequence: missense variant. On other transcripts: non-coding transcript variant (1).
Genome position (GRCh38, 1-based): chr10:102,656,843, C>T. VCF-style: chr10-102656843-C-T. GRCh37 (hg19) VCF-style: chr10-104416600-C-T.
Other names: c.1049C>T, p.Ala350Val (NM_001345950.1); short protein forms A350V, A382V.
Identifiers: ClinVar variation 1320867 (VCV001320867.8), dbSNP rs1356513635, ClinGen allele CA377931238.

ClinVar aggregate classification (germline): Conflicting classifications of pathogenicity. Review status: criteria provided, conflicting classifications (1 of 4 stars). 2 submissions from 2 submitters: Uncertain significance (1); Likely benign (1). Last evaluated 2024-04-10.

Allele frequency attached by ClinVar (database versions not stated): gnomAD exomes below 0.00001 and 0.00001; gnomAD 0.00003 and 0.00004; TOPMed 0.00006.
gnomAD v4.1: 11 of 1,549,132 alleles (0.00071%); highest among the groups gnomAD compares: Admixed American, 0.012%; no homozygotes.

Submissions (2):

Labcorp Genetics (formerly Invitae), Labcorp
Classification: Uncertain significance. Last evaluated: 2024-04-10. Review status: criteria provided, single submitter. Criteria: Invitae Variant Classification Sherloc (09022015). Collection method: clinical testing. Allele origin: germline.
Comment: This sequence change replaces alanine, which is neutral and non-polar, with valine, which is neutral and non-polar, at codon 382 of the TRIM8 protein (p.Ala382Val). The frequency data for this variant in the population databases is considered unreliable, as metrics indicate poor data quality at this position in the gnomAD database. This variant has not been reported in the literature in individuals affected with TRIM8-related conditions. ClinVar contains an entry for this variant (Variation ID: 1320867). An algorithm developed to predict the effect of missense changes on protein structure and function (PolyPhen-2) suggests that this variant is likely to be disruptive. In summary, the available evidence is currently insufficient to determine the role of this variant in disease. Therefore, it has been classified as a Variant of Uncertain Significance.

GeneDx
Classification: Likely benign. Last evaluated: 2023-01-31. Review status: criteria provided, single submitter. Criteria: GeneDx Variant Classification Process June 2021. Collection method: clinical testing. Allele origin: germline. Affected: yes.
Comment: See Variant Classification Assertion Criteria.